The following is an entry in ClinVar:

NM_003072.5(SMARCA4):c.679G>T (p.Ala227Ser)

Gene: SMARCA4 (SWI/SNF related BAF chromatin remodeling complex subunit ATPase 4; plus strand). Cytogenetic location: 19p13.2.
Variant type: single nucleotide variant.
Coding change: c.679G>T on transcript NM_003072.5 (MANE Select); coding-DNA position 679, G replaced by T.
Protein change: p.Ala227Ser; replaces alanine 227 with serine.
Molecular consequence: missense variant. On other transcripts: non-coding transcript variant (1).
Genome position (GRCh38, 1-based): chr19:10,986,512, G>T. VCF-style: chr19-10986512-G-T. GRCh37 (hg19) VCF-style: chr19-11097188-G-T.
Other names: c.679G>T, p.Ala227Ser (NM_001128844.3, NM_001128845.2, NM_001128846.2 and 5 more transcripts); short protein forms A227S.
Identifiers: ClinVar variation 408677 (VCV000408677.19), dbSNP rs769096295, ClinGen allele CA16615885.

ClinVar aggregate classification (germline): Conflicting classifications of pathogenicity. Review status: criteria provided, conflicting classifications (1 of 4 stars). 4 submissions from 4 submitters: Uncertain significance (2); Likely benign (2). Last evaluated 2026-07-06.

Conditions:
Intellectual disability, autosomal dominant 16 (CSS4). Also called: COFFIN-SIRIS SYNDROME 4. Identifiers: Orphanet 1465, MedGen C3553249, MONDO:0013821, OMIM 614609.
Rhabdoid tumor predisposition syndrome 2 (RTPS2). Identifiers: Orphanet 231108, Orphanet 69077, MedGen C2750074, MONDO:0013224, OMIM 613325.
Hereditary cancer-predisposing syndrome. Also called: Hereditary Cancer Syndrome; Hereditary neoplastic syndrome; Neoplastic Syndromes, Hereditary; Tumor predisposition. Identifiers: Orphanet 140162, MedGen C0027672, MeSH D009386, MONDO:0015356.

Allele frequency attached by ClinVar (database versions not stated): gnomAD exomes 0.00002.
gnomAD v4.1: 18 of 1,545,208 alleles (0.0012%); highest among the groups gnomAD compares: Non-Finnish European, 0.0014%; no homozygotes.

Submissions (4):

Myriad Genetics, Inc.
Classification: Likely benign for Rhabdoid tumor predisposition syndrome 2. Last evaluated: 2026-07-06. Review status: criteria provided, single submitter. Criteria: Myriad Autosomal Dominant, Autosomal Recessive and X-Linked Classification Criteria (2023). Collection method: clinical testing. Allele origin: unknown.
Comment: This variant is considered likely benign. This variant has been observed at a population frequency that is significantly greater than expected given the associated disease prevalence and penetrance.

Labcorp Genetics (formerly Invitae), Labcorp
Classification: Uncertain significance for Rhabdoid tumor predisposition syndrome 2. Last evaluated: 2025-11-13. Review status: criteria provided, single submitter. Criteria: Invitae Variant Classification Sherloc (09022015). Collection method: clinical testing. Allele origin: germline.
Comment: This sequence change replaces alanine, which is neutral and non-polar, with serine, which is neutral and polar, at codon 227 of the SMARCA4 protein (p.Ala227Ser). The frequency data for this variant in the population databases is considered unreliable, as metrics indicate poor data quality at this position in the gnomAD database. This variant has not been reported in the literature in individuals affected with SMARCA4-related conditions. ClinVar contains an entry for this variant (Variation ID: 408677). An algorithm developed to predict the effect of missense changes on protein structure and function (PolyPhen-2) suggests that this variant is likely to be tolerated. RNA analysis performed to evaluate the impact of this missense change on mRNA splicing indicates it does not significantly alter splicing (internal data). In summary, the available evidence is currently insufficient to determine the role of this variant in disease. Therefore, it has been classified as a Variant of Uncertain Significance.

Ambry Genetics
Classification: Likely benign for Hereditary cancer-predisposing syndrome. Last evaluated: 2023-11-16. Review status: criteria provided, single submitter. Criteria: Ambry Variant Classification Scheme 2023. Collection method: clinical testing. Allele origin: germline.

Genome-Nilou Lab
Classification: Uncertain significance for Intellectual disability, autosomal dominant 16. Last evaluated: 2021-07-15. Review status: criteria provided, single submitter. Criteria: ACMG Guidelines, 2015. Collection method: clinical testing. Allele origin: germline. Affected: no.